The following is an entry in ClinVar:

NM_001368397.1(FRMPD4):c.5124C>T (p.Ile1708=)

Gene: FRMPD4 (FERM and PDZ domain containing 4; plus strand). Cytogenetic location: Xp22.2.
Variant type: single nucleotide variant.
Coding change: c.5124C>T on transcript NM_001368397.1 (MANE Select); coding-DNA position 5124, C replaced by T.
Protein change: p.Ile1708=; no amino-acid change (isoleucine 1708 retained).
Molecular consequence: synonymous variant. On other transcripts: 3 prime UTR variant (6).
Genome position (GRCh38, 1-based): chrX:12,721,693, C>T. VCF-style: chrX-12721693-C-T. GRCh37 (hg19) VCF-style: chrX-12739812-C-T.
Other names: c.5235C>T, p.Ile1745= (NM_001368395.3); c.5130C>T, p.Ile1710= (NM_001368396.3); c.*1160C>T (NM_001368398.3, NM_001368399.3, NM_001368400.3 and 3 more transcripts).
Identifiers: ClinVar variation 3025181 (VCV003025181.22), dbSNP rs968114002, ClinGen allele CA2693104440.

ClinVar aggregate classification (germline): Likely benign (1 of 4 stars; one submission).

gnomAD v4.1: 1 of 752,895 alleles (0.00013%); highest among the groups gnomAD compares: Non-Finnish European, 0.00016%; no homozygotes.

Submission:

CeGaT Center for Human Genetics Tuebingen
Classification: Likely benign. Last evaluated: 2024-01-01. Review status: criteria provided, single submitter. Criteria: CeGaT Center For Human Genetics Tuebingen Variant Classification Criteria Version 2. Collection method: clinical testing. Allele origin: germline. Affected: yes. Observed: 1 variant allele.
Comment: FRMPD4: PM2:Supporting, BP4, BP7